The following is an entry in ClinVar:

ClinVar aggregate classification (germline): Uncertain significance (1 of 4 stars; one submission).

Conditions:
Arrhythmogenic right ventricular dysplasia 5. Also called: ARRHYTHMOGENIC RIGHT VENTRICULAR DYSPLASIA, FAMILIAL, 5; Arrhythmogenic Right Ventricular Dysplasia/Cardiomyopathy 5. Identifiers: MedGen C1858379, MONDO:0011459, OMIM 604400.

gnomAD v4.1: 2 of 1,612,070 alleles (0.00012%); highest among the groups gnomAD compares: Non-Finnish European, 0.00017%; no homozygotes.

Submission:

Labcorp Genetics (formerly Invitae), Labcorp
Classification: Uncertain significance for Arrhythmogenic right ventricular dysplasia 5. Last evaluated: 2025-05-09. Review status: criteria provided, single submitter. Criteria: Invitae Variant Classification Sherloc (09022015). Collection method: clinical testing. Allele origin: germline.
Comment: This sequence change replaces alanine, which is neutral and non-polar, with valine, which is neutral and non-polar, at codon 258 of the TMEM43 protein (p.Ala258Val). This variant is not present in population databases (gnomAD no frequency). This variant has not been reported in the literature in individuals affected with TMEM43-related conditions. Invitae Evidence Modeling of protein sequence and biophysical properties (such as structural, functional, and spatial information, amino acid conservation, physicochemical variation, residue mobility, and thermodynamic stability) indicates that this missense variant is not expected to disrupt TMEM43 protein function with a negative predictive value of 80%. In summary, the available evidence is currently insufficient to determine the role of this variant in disease. Therefore, it has been classified as a Variant of Uncertain Significance.

NM_024334.3(TMEM43):c.773C>T (p.Ala258Val)

Gene: TMEM43 (transmembrane protein 43; plus strand). Cytogenetic location: 3p25.1.
Variant type: single nucleotide variant.
Coding change: c.773C>T on transcript NM_024334.3 (MANE Select); coding-DNA position 773, C replaced by T.
Protein change: p.Ala258Val; replaces alanine 258 with valine.
Molecular consequence: missense variant. On other transcripts: intron variant (1).
Genome position (GRCh38, 1-based): chr3:14,135,225, C>T. VCF-style: chr3-14135225-C-T. GRCh37 (hg19) VCF-style: chr3-14176725-C-T.
Other names: c.776C>T, p.Ala259Val (NM_001407274.1); c.773C>T, p.Ala258Val (NM_001407275.1, NM_001407276.1, NM_001407277.1); c.758C>T, p.Ala253Val (NM_001407278.1); c.623C>T, p.Ala208Val (NM_001407280.1); c.705+334C>T (NM_001407279.1); short protein forms A259V, A258V, A253V, A208V.
Identifiers: ClinVar variation 4740945 (VCV004740945.1).
Genomic context (GRCh38, chr3:14,135,225, plus strand): 5'-ACTTGCGTGTCTCCTTTTCCTATGCTGGACTGAGCGGCGATGACCCTGACCTGGGCCCAG[C>T]TCACGTGGTAACCTGGCTTCCCAGGGGCAGACACTAAGTCAGAGCCTCACGACTTTCCTG-3'
Protein context (NP_077310.1, residues 248-268): LSGDDPDLGP[Ala258Val]HVVTVIARQR